The following is an entry in ClinVar:

ClinVar aggregate classification (germline): Pathogenic. Review status: criteria provided, multiple submitters, no conflicts (2 of 4 stars). 3 submissions from 3 submitters: Pathogenic (3). Last evaluated 2024-08-05.

Conditions:
Ectopic tissue. Also called: Heterotopia. Identifiers: MedGen C0008519.

Submissions (3):

GeneDx
Classification: Pathogenic. Last evaluated: 2024-08-05. Review status: criteria provided, single submitter. Criteria: GeneDx Variant Classification Process June 2021. Collection method: clinical testing. Allele origin: germline. Affected: yes.
Comment: In silico analysis supports that this missense variant has a deleterious effect on protein structure/function; In silico analysis suggests this variant may impact gene splicing. In the absence of RNA/functional studies, the actual effect of this sequence change is unknown; Not observed at significant frequency in large population cohorts (gnomAD); This variant is associated with the following publications: (PMID: 38045215, 38464100, 38634212, 23365099)

Labcorp Genetics (formerly Invitae), Labcorp
Classification: Pathogenic. Last evaluated: 2022-07-15. Review status: criteria provided, single submitter. Criteria: Invitae Variant Classification Sherloc (09022015). Collection method: clinical testing. Allele origin: germline.
Comment: For these reasons, this variant has been classified as Pathogenic. This variant disrupts the p.Arg78 amino acid residue in DCX. Other variant(s) that disrupt this residue have been observed in individuals with DCX-related conditions (PMID: 23365099), which suggests that this may be a clinically significant amino acid residue. Algorithms developed to predict the effect of sequence changes on RNA splicing suggest that this variant may create or strengthen a splice site. Algorithms developed to predict the effect of missense changes on protein structure and function (SIFT, PolyPhen-2, Align-GVGD) all suggest that this variant is likely to be disruptive. ClinVar contains an entry for this variant (Variation ID: 158442). This missense change has been observed in individual(s) with agyria–pachygyria–subcortical band heterotopia spectrum (PMID: 23365099). In at least one individual the variant was observed to be de novo. This variant is not present in population databases (gnomAD no frequency). This sequence change replaces arginine, which is basic and polar, with cysteine, which is neutral and slightly polar, at codon 78 of the DCX protein (p.Arg78Cys).

Genetic Services Laboratory, University of Chicago
Classification: Pathogenic for Abnormality of neuronal migration. Last evaluated: 2013-02-08. Review status: criteria provided, single submitter. Criteria: ACMG Guidelines, 2007. Collection method: clinical testing. Allele origin: germline. Inheritance: Autosomal dominant inheritance. Affected: yes.

Literature cited by the submitters: PubMed 23365099 (cited by Labcorp Genetics (formerly Invitae), Labcorp).

NM_001195553.2(DCX):c.232C>T (p.Arg78Cys)

Gene: DCX (doublecortin; minus strand). Cytogenetic location: Xq23.
Variant type: single nucleotide variant.
Coding change: c.232C>T on transcript NM_001195553.2 (MANE Select); coding-DNA position 232, C replaced by T.
Protein change: p.Arg78Cys; replaces arginine 78 with cysteine.
Molecular consequence: missense variant.
Genome position (GRCh38, 1-based): chrX:111,410,167, G>A on the plus strand (C>T on the coding strand, the complement: DCX is on the minus strand). VCF-style: chrX-111410167-G-A. GRCh37 (hg19) VCF-style: chrX-110653395-G-A.
Other names: c.475C>T, p.Arg159Cys (NM_000555.3); c.232C>T, p.Arg78Cys (NM_001369370.1, NM_001369371.1, NM_001369372.1 and 5 more transcripts); c.232C>T (NM_178153.1); short protein forms R78C, R159C.
Identifiers: ClinVar variation 158442 (VCV000158442.11), dbSNP rs587783535, ClinGen allele CA171893.